The following is an entry in ClinVar:

ClinVar aggregate classification (germline): Benign/Likely benign. Review status: criteria provided, multiple submitters, no conflicts (2 of 4 stars). 8 submissions from 8 submitters: Benign (1); Likely benign (5). 2 of the submissions do not count toward it. Last evaluated 2026-01-21.

Allele frequency attached by ClinVar (database versions not stated): gnomAD exomes 0.00037 and 0.00070; ExAC 0.00082; ESP Exome Variant Server 0.00120; gnomAD 0.00153 and 0.00155; TOPMed 0.00177; 1000 Genomes Project 30x 0.00250; 1000 Genomes Project 0.00260.

Submissions (8):

Labcorp Genetics (formerly Invitae), Labcorp
Classification: Benign. Last evaluated: 2026-01-21. Review status: criteria provided, single submitter. Criteria: Invitae Variant Classification Sherloc (09022015). Collection method: clinical testing. Allele origin: germline.

Blueprint Genetics
Classification: Likely benign. Last evaluated: 2024-09-20. Review status: criteria provided, single submitter. Criteria: ACMG Guidelines, 2015. Collection method: clinical testing. Allele origin: germline.

CeGaT Center for Human Genetics Tuebingen
Classification: Likely benign. Last evaluated: 2023-02-01. Review status: criteria provided, single submitter. Criteria: CeGaT Center For Human Genetics Tuebingen Variant Classification Criteria Version 2. Collection method: clinical testing. Allele origin: germline. Affected: yes. Observed: 1 variant allele.
Comment: PLCE1: BP4, BP7

GeneDx
Classification: Likely benign. Last evaluated: 2020-03-09. Review status: criteria provided, single submitter. Criteria: GeneDx Variant Classification Process June 2021. Collection method: clinical testing. Allele origin: germline. Affected: yes.

Breakthrough Genomics
Classification: Likely benign. Review status: criteria provided, single submitter. Criteria: ACMG Guidelines, 2015. Collection method: not provided. Allele origin: germline. Inheritance: Autosomal recessive inheritance. Affected: yes.

PreventionGenetics, part of Exact Sciences
Classification: Likely benign. Review status: criteria provided, single submitter. Criteria: ACMG Guidelines, 2015. Collection method: clinical testing. Allele origin: germline.

Clinical Genetics DNA and cytogenetics Diagnostics Lab, Erasmus MC, Erasmus Medical Center
Classification: Likely benign. Review status: no assertion criteria provided. Collection method: clinical testing. Allele origin: germline. Affected: yes. Study: VKGL Data-share Consensus. Not counted in ClinVar's aggregate classification.

Genome Diagnostics Laboratory, University Medical Center Utrecht
Classification: Likely benign. Review status: no assertion criteria provided. Collection method: clinical testing. Allele origin: germline. Affected: yes. Study: VKGL Data-share Consensus. Not counted in ClinVar's aggregate classification.

NM_016341.4(PLCE1):c.2076A>T (p.Thr692=)

Gene: PLCE1 (phospholipase C epsilon 1; plus strand). Cytogenetic location: 10q23.33.
Variant type: single nucleotide variant.
Coding change: c.2076A>T on transcript NM_016341.4 (MANE Select); coding-DNA position 2076, A replaced by T.
Protein change: p.Thr692=; no amino-acid change (threonine 692 retained).
Molecular consequence: synonymous variant.
Genome position (GRCh38, 1-based): chr10:94,234,174, A>T. VCF-style: chr10-94234174-A-T. GRCh37 (hg19) VCF-style: chr10-95993931-A-T.
Other names: c.1152A>T, p.Thr384= (NM_001165979.2); c.2076A>T, p.Thr692= (NM_001288989.2).
Identifiers: ClinVar variation 260714 (VCV000260714.38), dbSNP rs147203844, ClinGen allele CA5612552.